The following is an entry in ClinVar:

ClinVar aggregate classification (germline): Uncertain significance (1 of 4 stars; one submission).

Submission:

GeneDx
Classification: Uncertain significance. Last evaluated: 2025-01-24. Review status: criteria provided, single submitter. Criteria: GeneDx Variant Classification Process June 2021. Collection method: clinical testing. Allele origin: germline. Affected: yes.
Comment: Not observed at significant frequency in large population cohorts (gnomAD); Nonsense variant predicted to result in protein truncation as the last 54 amino acids are lost; Has not been previously published as pathogenic or benign to our knowledge

NM_015570.4(AUTS2):c.3616G>T (p.Gly1206Ter)

Gene: AUTS2 (activator of transcription and developmental regulator AUTS2; plus strand). Cytogenetic location: 7q11.22.
Variant type: single nucleotide variant.
Coding change: c.3616G>T on transcript NM_015570.4 (MANE Select); coding-DNA position 3616, G replaced by T.
Protein change: p.Gly1206Ter; replaces glycine 1206 with a stop codon.
Molecular consequence: nonsense.
Genome position (GRCh38, 1-based): chr7:70,790,832, G>T. VCF-style: chr7-70790832-G-T. GRCh37 (hg19) VCF-style: chr7-70255818-G-T.
Other names: c.3544G>T, p.Gly1182Ter (NM_001127231.3); short protein forms G1182*, G1206*.
Identifiers: ClinVar variation 4071873 (VCV004071873.1).